The following is an entry in ClinVar:

NM_152564.5(VPS13B):c.11044+13G>A

Gene: VPS13B (vacuolar protein sorting 13 homolog B; plus strand). Cytogenetic location: 8q22.2.
Variant type: single nucleotide variant.
Coding change: c.11044+13G>A on transcript NM_152564.5 (MANE Select); 13 bases into the intron after coding-DNA position 11044, G replaced by A.
Molecular consequence: intron variant.
Genome position (GRCh38, 1-based): chr8:99,859,493, G>A. VCF-style: chr8-99859493-G-A. GRCh37 (hg19) VCF-style: chr8-100871721-G-A.
Other names: c.11119+13G>A (NM_017890.5).
Identifiers: ClinVar variation 361094 (VCV000361094.17), dbSNP rs116819080, ClinGen allele CA4825106.
Genomic context (GRCh38, chr8:99,859,493, plus strand): 5'-GTGGCGTCTCCAGAGGGACCACATCGTTTGTAAAGCACATCTCCAAAGGTAGCGGGTTCC[G>A]TTCCTTGTAATAATGCCTTCACTCCTTCCCTTTTTTTTTTTTTTTAAAGAATGTGCTAAA-3'

ClinVar aggregate classification (germline): Benign/Likely benign. Review status: criteria provided, multiple submitters, no conflicts (2 of 4 stars). 6 submissions from 6 submitters: Benign (3); Likely benign (1). 2 of the submissions do not count toward it. Last evaluated 2026-02-02.

Conditions:
Cohen syndrome (COH1). Also called: PEPPER SYNDROME; Cutis verticis gyrata, retinitis pigmentosa, and sensorineural deafness. Identifiers: Orphanet 193, MedGen C0265223, MONDO:0008999, OMIM 216550.

Allele frequency attached by ClinVar (database versions not stated): ExAC 0.00299; gnomAD 0.00967 and 0.01028; 1000 Genomes Project 0.01058; TOPMed 0.01068; ESP Exome Variant Server 0.01092; 1000 Genomes Project 30x 0.01171.
gnomAD v4.1: 2,889 of 1,611,664 alleles (0.18%); highest among the groups gnomAD compares: African/African-American, 3.4%; 51 homozygotes.

Submissions (6):

Labcorp Genetics (formerly Invitae), Labcorp
Classification: Benign for Cohen syndrome. Last evaluated: 2026-02-02. Review status: criteria provided, single submitter. Criteria: Invitae Variant Classification Sherloc (09022015). Collection method: clinical testing. Allele origin: germline.

Women's Health and Genetics/Laboratory Corporation of America, LabCorp
Classification: Likely benign. Last evaluated: 2026-01-22. Review status: criteria provided, single submitter. Criteria: LabCorp Variant Classification Summary - May 2015. Collection method: clinical testing. Allele origin: germline.

Illumina Laboratory Services, Illumina
Classification: Benign for Cohen syndrome. Last evaluated: 2018-01-13. Review status: criteria provided, single submitter. Criteria: ICSL Variant Classification Criteria 13 December 2019. Collection method: clinical testing. Allele origin: germline.
Comment: This variant was observed in the ICSL laboratory as part of a predisposition screen in an ostensibly healthy population. It had not been previously curated by ICSL or reported in the Human Gene Mutation Database (HGMD: prior to June 1st, 2018), and was therefore a candidate for classification through an automated scoring system. Utilizing variant allele frequency, disease prevalence and penetrance estimates, and inheritance mode, an automated score was calculated to assess if this variant is too frequent to cause the disease. Based on the score and internal cut-off values, a variant classified as benign is not then subjected to further curation. The score for this variant resulted in a classification of benign for this disease.

Breakthrough Genomics
Classification: Benign. Review status: criteria provided, single submitter. Criteria: ACMG Guidelines, 2015. Collection method: not provided. Allele origin: germline. Inheritance: Autosomal recessive inheritance. Affected: yes.

Clinical Genetics DNA and cytogenetics Diagnostics Lab, Erasmus MC, Erasmus Medical Center
Classification: Benign. Review status: no assertion criteria provided. Collection method: clinical testing. Allele origin: germline. Affected: yes. Study: VKGL Data-share Consensus. Not counted in ClinVar's aggregate classification.

Genome Diagnostics Laboratory, University Medical Center Utrecht
Classification: Likely benign. Review status: no assertion criteria provided. Collection method: clinical testing. Allele origin: germline. Affected: yes. Study: VKGL Data-share Consensus. Not counted in ClinVar's aggregate classification.